The following is an entry in ClinVar:

NM_014425.5(INVS):c.2887C>T (p.Gln963Ter)

Gene: INVS (inversin; plus strand). Cytogenetic location: 9q31.1.
Variant type: single nucleotide variant.
Coding change: c.2887C>T on transcript NM_014425.5 (MANE Select); coding-DNA position 2887, C replaced by T.
Protein change: p.Gln963Ter; replaces glutamine 963 with a stop codon.
Molecular consequence: nonsense. On other transcripts: non-coding transcript variant (1).
Genome position (GRCh38, 1-based): chr9:100,297,017, C>T. VCF-style: chr9-100297017-C-T. GRCh37 (hg19) VCF-style: chr9-103059299-C-T.
Other names: c.2599C>T, p.Gln867Ter (NM_001318381.2); c.1909C>T, p.Gln637Ter (NM_001318382.2); short protein forms Q963*, Q637*, Q867*.
Identifiers: ClinVar variation 567470 (VCV000567470.12), dbSNP rs1425211517, ClinGen allele CA374245174.

ClinVar aggregate classification (germline): Pathogenic/Likely pathogenic. Review status: criteria provided, multiple submitters, no conflicts (2 of 4 stars). 4 submissions from 4 submitters: Pathogenic (3); Likely pathogenic (1). Last evaluated 2023-04-10.

Conditions:
Nephronophthisis. Also called: Juvenile Nephronophthisis. Identifiers: Orphanet 655, MedGen C0687120, MONDO:0019005, HP:0000090.
Infantile nephronophthisis (NPHP2). Also called: Nephronophthisis 2; Nephronophthisis 2, infantile. Identifiers: Orphanet 655, Orphanet 93591, MedGen C1865872, MONDO:0011190, OMIM 602088.
INVS-related disorders.

Allele frequency attached by ClinVar (database versions not stated): TOPMed 0.00001.

Submissions (4):

Labcorp Genetics (formerly Invitae), Labcorp
Classification: Pathogenic for Nephronophthisis. Last evaluated: 2023-04-10. Review status: criteria provided, single submitter. Criteria: Invitae Variant Classification Sherloc (09022015). Collection method: clinical testing. Allele origin: germline.
Comment: This premature translational stop signal has been observed in individual(s) with INVS-related conditions (PMID: 34031707). This variant is not present in population databases (gnomAD no frequency). This sequence change creates a premature translational stop signal (p.Gln963*) in the INVS gene. It is expected to result in an absent or disrupted protein product. Loss-of-function variants in INVS are known to be pathogenic (PMID: 12872123). ClinVar contains an entry for this variant (Variation ID: 567470). For these reasons, this variant has been classified as Pathogenic. Algorithms developed to predict the effect of sequence changes on RNA splicing suggest that this variant may disrupt the consensus splice site.

The Laboratory of Genetics and Metabolism, Hunan Children’s Hospital
Classification: Pathogenic for Infantile nephronophthisis. Last evaluated: 2021-03-06. Review status: criteria provided, single submitter. Criteria: ACMG Guidelines, 2015. Collection method: research. Allele origin: inherited. Affected: yes. Observed: 1 variant allele.

Blueprint Genetics
Classification: Likely pathogenic for INVS-related disorders. Last evaluated: 2017-12-07. Review status: criteria provided, single submitter. Criteria: ACMG Guidelines, 2015. Collection method: clinical testing. Allele origin: germline. Affected: yes. Observed: 1 variant allele.

Juno Genomics, Hangzhou Juno Genomics, Inc
Classification: Pathogenic for Infantile nephronophthisis. Review status: criteria provided, single submitter. Criteria: ACMG Guidelines, 2015. Collection method: clinical testing. Allele origin: germline.
Comment: Absent from controls (or at extremely low frequency if recessive) in Genome Aggregation Database.;Null variant in a gene where loss of function (LOF) is a known mechanism of disease.;For recessive disorders, detected in trans with a pathogenic variant.

Literature cited by the submitters: PubMed 34031707 (cited by Labcorp Genetics (formerly Invitae), Labcorp); PubMed 12872123 (cited by Labcorp Genetics (formerly Invitae), Labcorp); PubMed 34298581 (cited by The Laboratory of Genetics and Metabolism, Hunan Children’s Hospital).